The following is an entry in ClinVar:

ClinVar aggregate classification (germline): Uncertain significance. Review status: criteria provided, multiple submitters, no conflicts (2 of 4 stars). 4 submissions from 4 submitters: Uncertain significance (4). Last evaluated 2025-11-17.

Conditions:
Cardiovascular phenotype. Identifiers: MedGen CN230736.
Dilated cardiomyopathy 1II (CMD1II). Identifiers: Orphanet 154, MedGen C3554649, MONDO:0014073, OMIM 615184.

Submissions (4):

Dasa
Classification: Uncertain significance. Last evaluated: 2025-11-17. Review status: criteria provided, single submitter. Criteria: DASA Assertion Criteria. Collection method: clinical testing. Allele origin: germline.
Comment: NM_001289808.2(CRYAB):c.246_248del (p.Lys82_His83delinsAsn) is an in-frame insertion/deletion-insertion predicted to alter the protein sequence without shifting the reading frame. This variant is rare in population databases. The currently available literature and clinical evidence are not sufficient to establish a definitive association between this variant and the reported condition. Therefore, this variant is classified as a variant of uncertain significance.

Labcorp Genetics (formerly Invitae), Labcorp
Classification: Uncertain significance for Dilated cardiomyopathy 1II. Last evaluated: 2025-03-11. Review status: criteria provided, single submitter. Criteria: Invitae Variant Classification Sherloc (09022015). Collection method: clinical testing. Allele origin: germline.
Comment: This variant, c.246_248del, is a complex sequence change that results in the deletion of 2 and insertion of 1 amino acid(s) in the CRYAB protein (p.Lys82_His83delinsAsn). This variant is present in population databases (no rsID available, gnomAD 0.01%). This variant has not been reported in the literature in individuals affected with CRYAB-related conditions. ClinVar contains an entry for this variant (Variation ID: 2150046). Experimental studies and prediction algorithms are not available or were not evaluated, and the functional significance of this variant is currently unknown. In summary, the available evidence is currently insufficient to determine the role of this variant in disease. Therefore, it has been classified as a Variant of Uncertain Significance.

GeneDx
Classification: Uncertain significance. Last evaluated: 2025-03-07. Review status: criteria provided, single submitter. Criteria: GeneDx Variant Classification Process June 2021. Collection method: clinical testing. Allele origin: germline. Affected: yes.
Comment: Not observed at significant frequency in large population cohorts (gnomAD); In-frame deletion of 2 amino acids and insertion of 1 different amino acids in a non-repeat region; In silico analysis supports a deleterious effect on protein structure/function; Has not been previously published as pathogenic or benign to our knowledge; This variant is associated with the following publications: (PMID: 24576798)

Ambry Genetics
Classification: Uncertain significance for Cardiovascular phenotype. Last evaluated: 2024-07-24. Review status: criteria provided, single submitter. Criteria: Ambry Variant Classification Scheme 2023. Collection method: clinical testing. Allele origin: germline.
Comment: The c.246_248delGCA variant (also known as p.K82_H83delinsN), located in coding exon 2 of the CRYAB gene, results from an in-frame GCA deletion at nucleotide positions 246 to 248. This results in the substitution of the lysine and histidine residues at codons 82 and 83 for an asparagine residue. These amino acid positions are highly conserved in available vertebrate species. In addition, this alteration is predicted to be deleterious by in silico analysis (Choi Y et al. PLoS ONE. 2012; 7(10):e46688). Since supporting evidence is limited at this time, the clinical significance of this alteration remains unclear.

NM_001289808.2(CRYAB):c.246_248del (p.Lys82_His83delinsAsn)

Gene: CRYAB (crystallin alpha B; minus strand). Cytogenetic location: 11q23.1.
Variant type: Deletion.
Coding change: c.246_248del on transcript NM_001289808.2 (MANE Select); coding-DNA positions 246 to 248, 3 bases deleted (GCA; older notation c.246_248delGCA).
Protein change: p.Lys82_His83delinsAsn.
Molecular consequence: inframe indel.
Genome position (GRCh38, 1-based): chr11:111,910,403-111,910,405, TGC deleted on the plus strand (GCA on the coding strand, the reverse complement: CRYAB is on the minus strand); deleting any 3 consecutive bases within chr11:111,910,403-111,910,406 gives the same sequence; the c. name uses the placement nearest the transcript's 3' end. VCF-style (leftmost placement, unchanged base first): chr11-111910402-GTGC-G. GRCh37 (hg19) VCF-style: chr11-111781126-GTGC-G.
Other names: c.246_248delGCA (NM_001885.1); c.246_248del, p.Lys82_His83delinsAsn (NM_001289807.1, NM_001368245.1, NM_001885.3); c.45_47del, p.Lys15_His16delinsAsn (NM_001330379.1, NM_001368246.1); c.246_248del (NM_001885.1).
Identifiers: ClinVar variation 2150046 (VCV002150046.8), dbSNP rs1237936105, ClinGen allele CA602133950.
Genomic context (GRCh38, chr11:111,910,402, plus strand): 5'-TTTTCCATGCACCTCAATCACATCTCCCAACACCTTAACTTTGAGTTCCTCTGGGGAGAA[GTGC>G]TTCACATCCAGGTTGACAGAGAACCTGTCCTTCTCCAGGCGCATCTAGAAATAGCAAGGT-3'